The following is an entry in ClinVar:

ClinVar aggregate classification (germline): Uncertain significance. Review status: criteria provided, multiple submitters, no conflicts (2 of 4 stars). 2 submissions from 2 submitters: Uncertain significance (2). Last evaluated 2024-06-03.

Conditions:
Inborn genetic diseases. Identifiers: MedGen C0950123, MeSH D030342.

Allele frequency attached by ClinVar (database versions not stated): gnomAD exomes below 0.00001.
gnomAD v4.1: 1 of 1,614,160 alleles (0.000062%); highest among the groups gnomAD compares: Admixed American, 0.0017%; no homozygotes.

Submissions (2):

Women's Health and Genetics/Laboratory Corporation of America, LabCorp
Classification: Uncertain significance. Last evaluated: 2024-06-03. Review status: criteria provided, single submitter. Criteria: LabCorp Variant Classification Summary - May 2015. Collection method: clinical testing. Allele origin: germline.
Comment: Variant summary: MPZ c.585-6T>C alters a non-conserved nucleotide located close to a canonical splice site and therefore could affect mRNA splicing, leading to a significantly altered protein sequence. Consensus agreement among computation tools predict no significant impact on normal splicing. However, these predictions have yet to be confirmed by functional studies. The variant was absent in 251484 control chromosomes. The available data on variant occurrences in the general population are insufficient to allow any conclusion about variant significance. To our knowledge, no occurrence of c.585-6T>C in individuals affected with MPZ-Related Disorders and no experimental evidence demonstrating its impact on protein function have been reported. ClinVar contains an entry for this variant (Variation ID: 1750097). Based on the evidence outlined above, the variant was classified as uncertain significance.

Ambry Genetics
Classification: Uncertain significance for Inborn genetic diseases. Last evaluated: 2022-10-05. Review status: criteria provided, single submitter. Criteria: Ambry Variant Classification Scheme 2023. Collection method: clinical testing. Allele origin: germline.
Comment: The c.585-6T>C intronic variant results from a T to C substitution 6 nucleotides upstream from coding exon 5 in the MPZ gene. This nucleotide position is not well conserved in available vertebrate species. In silico splice site analysis predicts that this alteration will not have any significant effect on splicing. Since supporting evidence is limited at this time, the clinical significance of this alteration remains unclear.

NM_000530.8(MPZ):c.585-6T>C

Gene: MPZ (myelin protein zero; minus strand). Cytogenetic location: 1q23.3.
Variant type: single nucleotide variant.
Coding change: c.585-6T>C on transcript NM_000530.8 (MANE Select); 6 bases into the intron before coding-DNA position 585, T replaced by C.
Molecular consequence: intron variant.
Genome position (GRCh38, 1-based): chr1:161,306,174, A>G on the plus strand (T>C on the coding strand, the complement: MPZ is on the minus strand). VCF-style: chr1-161306174-A-G. GRCh37 (hg19) VCF-style: chr1-161275964-A-G.
Other names: c.585-6T>C (NM_001315491.2).
Identifiers: ClinVar variation 1750097 (VCV001750097.3), dbSNP rs763165525, ClinGen allele CA31668012.
Genomic context (GRCh38, chr1:161,306,174, plus strand): 5'-CCCGCGCTTCGACGCGTCCTTTCCTGGCTTGTGCAATTTCCCCTTCTCCATAGCACTGCA[A>G]GAAGAGAGACTGCTGTACGTTTGGCCTCGCCGGAACCCCTTGCACCGCGGACACAGCTTC-3'